The following is an entry in ClinVar:

ClinVar aggregate classification (germline): Conflicting classifications of pathogenicity. Review status: criteria provided, conflicting classifications (1 of 4 stars). 2 submissions from 2 submitters: Uncertain significance (1); Likely benign (1). Last evaluated 2024-02-23.

Conditions:
Inborn genetic diseases. Identifiers: MedGen C0950123, MeSH D030342.

Allele frequency attached by ClinVar (database versions not stated): ExAC 0.00002; gnomAD 0.00001; gnomAD exomes 0.00001; TOPMed 0.00001.
gnomAD v4.1: 11 of 1,611,690 alleles (0.00068%); highest among the groups gnomAD compares: Middle Eastern, 0.016%; no homozygotes.

Submissions (2):

Labcorp Genetics (formerly Invitae), Labcorp
Classification: Uncertain significance. Last evaluated: 2024-02-23. Review status: criteria provided, single submitter. Criteria: Invitae Variant Classification Sherloc (09022015). Collection method: clinical testing. Allele origin: germline.
Comment: This sequence change replaces alanine, which is neutral and non-polar, with threonine, which is neutral and polar, at codon 77 of the ZNF335 protein (p.Ala77Thr). This variant is present in population databases (rs770010402, gnomAD 0.003%). This variant has not been reported in the literature in individuals affected with ZNF335-related conditions. ClinVar contains an entry for this variant (Variation ID: 2054190). Algorithms developed to predict the effect of missense changes on protein structure and function output the following: SIFT: "Not Available"; PolyPhen-2: "Benign"; Align-GVGD: "Not Available". The threonine amino acid residue is found in multiple mammalian species, which suggests that this missense change does not adversely affect protein function. In summary, the available evidence is currently insufficient to determine the role of this variant in disease. Therefore, it has been classified as a Variant of Uncertain Significance.

Ambry Genetics
Classification: Likely benign for Inborn genetic diseases. Last evaluated: 2024-01-16. Review status: criteria provided, single submitter. Criteria: Ambry Variant Classification Scheme 2023. Collection method: clinical testing. Allele origin: germline.

NM_022095.4(ZNF335):c.229G>A (p.Ala77Thr)

Gene: ZNF335 (zinc finger protein 335; minus strand). Cytogenetic location: 20q13.12.
Variant type: single nucleotide variant.
Coding change: c.229G>A on transcript NM_022095.4 (MANE Select); coding-DNA position 229, G replaced by A.
Protein change: p.Ala77Thr; replaces alanine 77 with threonine.
Molecular consequence: missense variant.
Genome position (GRCh38, 1-based): chr20:45,969,664, C>T on the plus strand (G>A on the coding strand, the complement: ZNF335 is on the minus strand). VCF-style: chr20-45969664-C-T. GRCh37 (hg19) VCF-style: chr20-44598303-C-T.
Other names: c.229G>A (NM_022095.3); short protein forms A77T.
Identifiers: ClinVar variation 2054190 (VCV002054190.4), dbSNP rs770010402, ClinGen allele CA9886151.